The following is an entry in ClinVar:

ClinVar aggregate classification (germline): Uncertain significance (1 of 4 stars; one submission).

Conditions:
Primary ciliary dyskinesia. Also called: Ciliary dyskinesia. Identifiers: Orphanet 244, MedGen C0008780, MONDO:0016575, HP:0012265.

gnomAD v4.1: 13 of 1,211,547 alleles (0.0011%); highest among the groups gnomAD compares: African/African-American, 0.0017%; no homozygotes.

Submission:

Labcorp Genetics (formerly Invitae), Labcorp
Classification: Uncertain significance for Primary ciliary dyskinesia. Last evaluated: 2022-10-19. Review status: criteria provided, single submitter. Criteria: Invitae Variant Classification Sherloc (09022015). Collection method: clinical testing. Allele origin: germline.
Comment: In summary, the available evidence is currently insufficient to determine the role of this variant in disease. Therefore, it has been classified as a Variant of Uncertain Significance. Advanced modeling of protein sequence and biophysical properties (such as structural, functional, and spatial information, amino acid conservation, physicochemical variation, residue mobility, and thermodynamic stability) has been performed at Invitae for this missense variant, however the output from this modeling did not meet the statistical confidence thresholds required to predict the impact of this variant on RPGR protein function. This variant has not been reported in the literature in individuals affected with RPGR-related conditions. The frequency data for this variant in the population databases is considered unreliable, as metrics indicate poor data quality at this position in the gnomAD database. This sequence change replaces proline, which is neutral and non-polar, with serine, which is neutral and polar, at codon 367 of the RPGR protein (p.Pro367Ser).

NM_001034853.2(RPGR):c.1099C>T (p.Pro367Ser)

Gene: RPGR (retinitis pigmentosa GTPase regulator; minus strand). Cytogenetic location: Xp11.4.
Variant type: single nucleotide variant.
Coding change: c.1099C>T on transcript NM_001034853.2 (MANE Select); coding-DNA position 1099, C replaced by T.
Protein change: p.Pro367Ser; replaces proline 367 with serine.
Molecular consequence: missense variant. On other transcripts: non-coding transcript variant (6), intron variant (2).
Genome position (GRCh38, 1-based): chrX:38,299,102, G>A on the plus strand (C>T on the coding strand, the complement: RPGR is on the minus strand). VCF-style: chrX-38299102-G-A. GRCh37 (hg19) VCF-style: chrX-38158355-G-A.
Other names: c.1099C>T, p.Pro367Ser (NM_000328.3, NM_001367247.1); c.1096C>T, p.Pro366Ser (NM_001367245.1, NM_001367249.1, NM_001367250.1); c.1129C>T, p.Pro377Ser (NM_001367248.1); c.1060-1650C>T (NM_001367251.1, NM_001367246.1); short protein forms P366S, P367S, P377S.
Identifiers: ClinVar variation 2050801 (VCV002050801.4), dbSNP rs769641256, ClinGen allele CA10385543.